The following is an entry in ClinVar:

NM_018076.5(ODAD2):c.1706G>A (p.Arg569Gln)

Gene: ODAD2 (outer dynein arm docking complex subunit 2; minus strand). Cytogenetic location: 10p12.1.
Variant type: single nucleotide variant.
Coding change: c.1706G>A on transcript NM_018076.5 (MANE Select); coding-DNA position 1706, G replaced by A.
Protein change: p.Arg569Gln; replaces arginine 569 with glutamine.
Molecular consequence: missense variant.
Genome position (GRCh38, 1-based): chr10:27,944,259, C>T on the plus strand (G>A on the coding strand, the complement: ODAD2 is on the minus strand). VCF-style: chr10-27944259-C-T. GRCh37 (hg19) VCF-style: chr10-28233188-C-T.
Other names: c.1706G>A, p.Arg569Gln (NM_001290020.2); c.281G>A, p.Arg94Gln (NM_001290021.2); c.782G>A, p.Arg261Gln (NM_001312689.2); short protein forms R261Q, R569Q, R94Q.
Identifiers: ClinVar variation 1681371 (VCV001681371.5), dbSNP rs755007652, ClinGen allele CA5453451.

ClinVar aggregate classification (germline): Uncertain significance (1 of 4 stars; one submission).

Conditions:
Primary ciliary dyskinesia 23 (CILD23). Also called: CILIARY DYSKINESIA, PRIMARY, 23, WITH OR WITHOUT SITUS INVERSUS. Identifiers: Orphanet 244, MedGen C3809548, MONDO:0014193, OMIM 615451.

Allele frequency attached by ClinVar (database versions not stated): gnomAD 0.00001; gnomAD exomes 0.00002 and 0.00004; ExAC 0.00003; TOPMed 0.00003.
gnomAD v4.1: 26 of 1,613,540 alleles (0.0016%); highest among the groups gnomAD compares: South Asian, 0.018%; no homozygotes.

Submission:

Labcorp Genetics (formerly Invitae), Labcorp
Classification: Uncertain significance for Primary ciliary dyskinesia 23. Last evaluated: 2021-09-17. Review status: criteria provided, single submitter. Criteria: Invitae Variant Classification Sherloc (09022015). Collection method: clinical testing. Allele origin: germline.
Comment: This sequence change replaces arginine with glutamine at codon 569 of the ARMC4 protein (p.Arg569Gln). The arginine residue is highly conserved and there is a small physicochemical difference between arginine and glutamine. This variant is present in population databases (rs755007652, ExAC 0.02%). This missense change has been observed in individual(s) with clinical features of primary ciliary dyskinesia (PMID: 31650533). Algorithms developed to predict the effect of missense changes on protein structure and function are either unavailable or do not agree on the potential impact of this missense change (SIFT: "Deleterious"; PolyPhen-2: "Benign"; Align-GVGD: "Class C0"). In summary, the available evidence is currently insufficient to determine the role of this variant in disease. Therefore, it has been classified as a Variant of Uncertain Significance.

Literature cited by the submitters: PubMed 31650533.